The following is an entry in ClinVar:

NM_032043.3(BRIP1):c.2155T>C (p.Leu719=)

Gene: BRIP1 (BRCA1 interacting DNA helicase 1; minus strand). Cytogenetic location: 17q23.2.
Variant type: single nucleotide variant.
Coding change: c.2155T>C on transcript NM_032043.3 (MANE Select); coding-DNA position 2155, T replaced by C.
Protein change: p.Leu719=; no amino-acid change (leucine 719 retained).
Molecular consequence: synonymous variant.
Genome position (GRCh38, 1-based): chr17:61,744,534, A>G on the plus strand (T>C on the coding strand, the complement: BRIP1 is on the minus strand). VCF-style: chr17-61744534-A-G. GRCh37 (hg19) VCF-style: chr17-59821895-A-G.
Identifiers: ClinVar variation 414665 (VCV000414665.16), dbSNP rs771122056, ClinGen allele CA8690581.

ClinVar aggregate classification (germline): Benign/Likely benign. Review status: criteria provided, multiple submitters, no conflicts (2 of 4 stars). 4 submissions from 4 submitters: Benign (1); Likely benign (3). Last evaluated 2024-09-03.

Conditions:
Fanconi anemia complementation group J. Also called: BRIP1-Related Fanconi Anemia. Identifiers: Orphanet 84, MedGen C1836860, MONDO:0012187, OMIM 609054.
Familial cancer of breast. Also called: Hereditary breast cancer; BREAST CANCER, FAMILIAL; hereditary breast carcinoma. Identifiers: Orphanet 227535, MedGen C0346153, MONDO:0016419, OMIM 114480. Disease mechanism: loss of function.
Hereditary cancer-predisposing syndrome. Also called: Tumor predisposition; Neoplastic Syndromes, Hereditary; Hereditary Cancer Syndrome; Hereditary neoplastic syndrome. Identifiers: Orphanet 140162, MedGen C0027672, MeSH D009386, MONDO:0015356.

Allele frequency attached by ClinVar (database versions not stated): gnomAD exomes below 0.00001; ExAC 0.00001; gnomAD 0.00001; TOPMed 0.00001.
gnomAD v4.1: 1 of 1,613,694 alleles (0.000062%); highest among the groups gnomAD compares: African/African-American, 0.0013%; no homozygotes.

Submissions (4):

Myriad Genetics, Inc.
Classification: Benign for Familial cancer of breast. Last evaluated: 2024-09-03. Review status: criteria provided, single submitter. Criteria: Myriad Autosomal Dominant, Autosomal Recessive and X-Linked Classification Criteria (2023). Collection method: clinical testing. Allele origin: unknown.
Comment: This variant is considered benign. This variant is a silent/synonymous amino acid change and it is not expected to impact splicing.

Labcorp Genetics (formerly Invitae), Labcorp
Classification: Likely benign for Familial cancer of breast; Fanconi anemia complementation group J. Last evaluated: 2024-07-30. Review status: criteria provided, single submitter. Criteria: Invitae Variant Classification Sherloc (09022015). Collection method: clinical testing. Allele origin: germline.

Ambry Genetics
Classification: Likely benign for Hereditary cancer-predisposing syndrome. Last evaluated: 2018-11-27. Review status: criteria provided, single submitter. Criteria: Ambry Variant Classification Scheme 2023. Collection method: clinical testing. Allele origin: germline.

GeneDx
Classification: Likely benign. Last evaluated: 2018-03-12. Review status: criteria provided, single submitter. Criteria: GeneDx Variant Classification (06012015). Collection method: clinical testing. Allele origin: germline. Affected: yes.
Comment: This variant is considered likely benign or benign based on one or more of the following criteria: it is a conservative change, it occurs at a poorly conserved position in the protein, it is predicted to be benign by multiple in silico algorithms, and/or has population frequency not consistent with disease.